The following continues an entry in ClinVar:

NM_004004.6(GJB2):c.-23+1G>A

Gene: GJB2. ClinVar aggregate classification (germline): Pathogenic/Likely pathogenic. Pathogenic (40); Likely pathogenic (1).

Submissions 8 to 24 of 49:

3billion
Classification: Pathogenic for Autosomal recessive nonsyndromic hearing loss 1A. Last evaluated: 2026-01-12. Review status: criteria provided, single submitter. Criteria: ACMG Guidelines, 2015. Collection method: clinical testing. Allele origin: germline. Affected: yes.
Comment: The variant is observed at an extremely low frequency in the gnomAD v4.1.0 dataset (total allele frequency: 0.028%). Predicted Consequence/Location: Canonical splice site: predicted to alter splicing and result in a loss or disruption of normal protein function. Multiple pathogenic variants are reported in the predicted truncated region. In silico tools predict the variant to alter splicing and produce an abnormal transcript [SpliceAI: 0.99 (spliceogenicity >=0.2, non-spliceogenicity <0.1)]. The variant has been reported at least twice as pathogenic with clinical assertions and evidence for the classification (ClinVar ID: VCV000017029 /PMID: 10218527 /3billion dataset). Therefore, this variant is classified as Pathogenic according to the recommendation of ACMG/AMP guideline.

Variantyx, Inc.
Classification: Pathogenic for Autosomal recessive nonsyndromic hearing loss 1A. Last evaluated: 2025-10-02. Review status: criteria provided, single submitter. Criteria: Variantyx Assertion Criteria 2022. Collection method: clinical testing. Allele origin: germline. Inheritance: Autosomal recessive inheritance.
Comment: This is a canonical splicing variant in the GJB2 gene (OMIM: 121011). Pathogenic variants in this gene have been associated with autosomal recessive hearing loss 1A. This splicing variant is expected to result in loss of function, which is a known disease mechanism for GJB2 in this disorder (PMID: 11935342) (PVS1). The maximum allele frequency in non-founder control populations is 0.2233%. Based on the current evidence, this variant is classified as pathogenic for autosomal recessive hearing loss 1A.

Natera, Inc.
Classification: Pathogenic for Autosomal recessive deafness type 1A. Last evaluated: 2025-08-11. Review status: criteria provided, single submitter. Criteria: Natera Variant Classification Schema (03/2026). Collection method: clinical testing. Allele origin: germline.
Comment: The c.-23+1G>A variant in GJB2 is a 5' untranslated region (UTR) variant located upstream of the translation start codon. This variant is rare in the general population with a frequency below the threshold expected for the associated phenotype(s). This variant has been observed in one or more individuals affected with the associated recessive disease, as either homozygous or compound heterozygous with a second variant (PMID: 30344259). Computational prediction algorithms indicate this variant is likely to affect gene or protein function. Given the available evidence, this variant is classified as Pathogenic.

Institute of Human Genetics, Heidelberg University
Classification: Pathogenic for Autosomal recessive nonsyndromic hearing loss 1A. Last evaluated: 2025-04-15. Review status: criteria provided, single submitter. Criteria: ACMG Guidelines, 2015. Collection method: clinical testing. Allele origin: paternal. Affected: yes. Observed: 2 variant alleles.
Comment: PM3_vs, PVS1_strong, PS3_strong, PM2_supp

Center for Genomic Medicine, Rigshospitalet, Copenhagen University Hospital
Classification: Pathogenic. Last evaluated: 2025-03-04. Review status: criteria provided, single submitter. Criteria: ACMG Guidelines, 2015. Collection method: clinical testing. Allele origin: germline.

First Genomix Gene Laboratory, Genetic Diagnostics Department
Classification: Pathogenic for Autosomal recessive nonsyndromic hearing loss 1A. Last evaluated: 2025-01-28. Review status: criteria provided, single submitter. Criteria: ACMG Guidelines, 2015. Collection method: clinical testing. Allele origin: germline. Inheritance: Autosomal recessive inheritance. Affected: no. Observed: 1 variant allele.

ARUP Laboratories, Molecular Genetics and Genomics, ARUP Laboratories
Classification: Pathogenic. Last evaluated: 2025-01-16. Review status: criteria provided, single submitter. Criteria: ARUP Molecular Germline Variant Investigation Process 2024. Collection method: clinical testing. Allele origin: germline.
Comment: The GJB2 c.-23+1G>A variant (rs80338940), also published as IVS1+1G>A and -3170G>A, is reported in the literature in the homozygous and compound heterozygous state in numerous individuals with hearing loss and is described as a founder variant in populations of the Caucasus and northern Asia (Barashkov 2011, Denoyelle 1999, Posukh 2019, Shahin 2002, Solovyev 2022). This variant is found in the general population with an overall allele frequency of 0.02% (6/31,290 alleles) in the Genome Aggregation Database (v2.1.1). This variant disrupts the canonical splice donor site of intron 1, which is likely to negatively impact gene function. Functional characterization in patient lymphocytes indicates an absence of detectable transcript carrying the c.-23+1G>A variant, suggesting the transcript is unstable (Shahin 2002). Based on available information, this variant is considered to be pathogenic. References: Barashkov NA et al. Autosomal recessive deafness 1A (DFNB1A) in Yakut population isolate in Eastern Siberia: extensive accumulation of the splice site mutation IVS1+1G>A in GJB2 gene as a result of founder effect. J Hum Genet. 2011 Sep;56(9):631-9. PMID: 21776002. Denoyelle F et al. Clinical features of the prevalent form of childhood deafness, DFNB1, due to a connexin-26 gene defect: implications for genetic counselling. Lancet. 1999 Apr 17;353(9161):1298-303. PMID: 10218527. Posukh OL et al. Unique Mutational Spectrum of the GJB2 Gene and its Pathogenic Contribution to Deafness in Tuvinians (Southern Siberia, Russia): A High Prevalence of Rare Variant c.516G>C (p.Trp172Cys). Genes (Basel). 2019 Jun 5;10(6):429. PMID: 31195736. Shahin H et al. Genetics of congenital deafness in the Palestinian population: multiple connexin 26 alleles with shared origins in the Middle East. Hum Genet. 2002 Mar;110(3):284-9. PMID: 11935342. Solovyev AV et al. A common founder effect of the splice site variant c.-23?+?1G?>?A in GJB2 gene causing autosomal recessive deafness 1A (DFNB1A) in Eurasia. Hum Genet. 2022 Apr;141(3-4):697-707. PMID: 34839402.

Dubai Health Genomic Medicine Center, Dubai Health
Classification: Pathogenic for Keratoderma. Last evaluated: 2024-10-04. Review status: criteria provided, single submitter. Criteria: ACMG Guidelines, 2015. Collection method: research. Allele origin: germline. Affected: yes.
Comment: PVS1,PS3,PM3(strong),PM2

Blueprint Genetics
Classification: Pathogenic for GJB2-related disorders. Last evaluated: 2024-09-30. Review status: criteria provided, single submitter. Criteria: ACMG Guidelines, 2015. Collection method: clinical testing. Allele origin: germline. Affected: yes. Observed: 5 variant alleles.

Fulgent Genetics
Classification: Pathogenic for Mutilating keratoderma; Autosomal dominant keratitis-ichthyosis-hearing loss syndrome; Palmoplantar keratoderma-deafness syndrome; Knuckle pads, deafness AND leukonychia syndrome; Autosomal recessive nonsyndromic hearing loss 1A; Autosomal dominant nonsyndromic hearing loss 3A. Last evaluated: 2024-06-06. Review status: criteria provided, single submitter. Criteria: ACMG Guidelines, 2015. Collection method: clinical testing. Allele origin: germline.

Genomic Medicine Center of Excellence, King Faisal Specialist Hospital and Research Centre
Classification: Pathogenic for Autosomal recessive nonsyndromic hearing loss 1A. Last evaluated: 2024-03-26. Review status: criteria provided, single submitter. Criteria: ACMG Guidelines, 2015. Collection method: clinical testing. Allele origin: germline.

Revvity Omics, Revvity
Classification: Pathogenic. Last evaluated: 2023-12-21. Review status: criteria provided, single submitter. Criteria: ACMG Guidelines, 2015. Collection method: clinical testing. Allele origin: germline.

Integrating Genomics into Medicine, Frazer Institute, University Of Queensland
Classification: Pathogenic for Autosomal recessive nonsyndromic hearing loss 1A. Last evaluated: 2023-06-02. Review status: criteria provided, single submitter. Criteria: ACMG Guidelines, 2015. Collection method: clinical testing. Allele origin: germline. Affected: yes.

Johns Hopkins Genomics, Johns Hopkins University
Classification: Pathogenic for Autosomal recessive nonsyndromic hearing loss 1A. Last evaluated: 2023-04-28. Review status: criteria provided, single submitter. Criteria: ACMG Guidelines, 2015. Collection method: clinical testing. Allele origin: germline.
Comment: This GJB2 canonical splice variant has been reported in the homozygous or compound heterozygous state in multiple unrelated individuals with autosomal recessive deafness 1A. This variant (rs80338940) is present in a large population dataset (gnomAD v3.1.2: 42/152092 total alleles; 0.03%; no homozygotes), and has been reported in ClinVar (Variation ID 17029). The variant destroys a canonical splice donor site, is predicted to cause abnormal gene splicing and has supporting functional evidence1. We consider c.-23+1G>A in GJB2 to be pathogenic.

Foundation for Research in Genetics and Endocrinology, FRIGE's Institute of Human Genetics
Classification: Likely pathogenic for Autosomal recessive nonsyndromic hearing loss 1A. Last evaluated: 2023-04-04. Review status: criteria provided, single submitter. Criteria: ACMG Guidelines, 2015. Collection method: clinical testing. Allele origin: germline. Inheritance: Autosomal recessive inheritance. Affected: yes. Observed: 1 compound heterozygote.
Comment: A heterozygous 5’ splice site variant in intron 1 of the GJB2 gene that affects the invariant GT donor splice site downstream of exon 1 (c.-23+1G>A; ENST00000382848.5) was detected. The observed variant has previously been reported (as IVS1+1G>A) in patients affected with hearing loss [PMID: 27843504, ClinVar: VCV000017029.72]. This variant has not been reported in the 1000 genomes and gnomdAD (v2) databases and has a minor allele frequency of 0.03% and 0.02% in the gnomAD (v3.1) and topmed databases, respectively. The in-silico prediction of the variant is damaging by MutationTaster2. The reference base is conserved across mammals. In summary, the variant meets our criteria to be classified as likely pathogenic.

Department of Pathology and Laboratory Medicine, Sinai Health System
Classification: Pathogenic for Knuckle pads, deafness AND leukonychia syndrome; Mutilating keratoderma; Palmoplantar keratoderma-deafness syndrome. Last evaluated: 2023-02-27. Review status: criteria provided, single submitter. Criteria: ACMG Guidelines, 2015. Collection method: research. Allele origin: germline.

MGZ Medical Genetics Center
Classification: Pathogenic for Autosomal recessive nonsyndromic hearing loss 1A. Last evaluated: 2022-07-11. Review status: criteria provided, single submitter. Criteria: ACMG Guidelines, 2015. Collection method: clinical testing. Allele origin: germline. Affected: yes. Observed: 2 variant alleles.
Comment: ACMG criteria applied: PVS1, PS3, PM3, PM2_SUP